The following is an entry in ClinVar:

NM_005751.5(AKAP9):c.5153C>A (p.Ser1718Tyr)

Gene: AKAP9 (A-kinase anchoring protein 9; plus strand). Cytogenetic location: 7q21.2.
Variant type: single nucleotide variant.
Coding change: c.5153C>A on transcript NM_005751.5 (MANE Select); coding-DNA position 5153, C replaced by A.
Protein change: p.Ser1718Tyr; replaces serine 1718 with tyrosine.
Molecular consequence: missense variant.
Genome position (GRCh38, 1-based): chr7:92,042,762, C>A. VCF-style: chr7-92042762-C-A. GRCh37 (hg19) VCF-style: chr7-91672076-C-A.
Other names: c.5153C>A, p.Ser1718Tyr (NM_147185.3); short protein forms S1718Y.
Identifiers: ClinVar variation 811703 (VCV000811703.8), dbSNP rs1584285416, ClinGen allele CA368130427.

ClinVar aggregate classification (germline): Uncertain significance (1 of 4 stars; one submission).

Conditions:
Long QT syndrome 11 (LQT11). Identifiers: Orphanet 101016, Orphanet 768, MedGen C2678483, MONDO:0012738, OMIM 611820.

gnomAD v4.1: 1 of 1,604,460 alleles (0.000062%); highest among the groups gnomAD compares: South Asian, 0.0011%; no homozygotes.

Submission:

ARUP Laboratories, Molecular Genetics and Genomics, ARUP Laboratories
Classification: Uncertain significance for Long QT syndrome 11. Last evaluated: 2018-07-24. Review status: criteria provided, single submitter. Criteria: ARUP Molecular Germline Variant Investigation Process. Collection method: clinical testing. Allele origin: germline.
Comment: The AKAP9 c.5153C>A; p.Ser1718Tyr variant, to our knowledge, is not reported in the medical literature or gene specific databases. This variant is absent from general population databases (1000 Genomes Project, Exome Variant Server, and Genome Aggregation Database), indicating it is not a common polymorphism. The serine at codon 1718 is moderately conserved and computational analyses (SIFT, PolyPhen-2) predict that this variant is deleterious. Due to limited information, the clinical significance of the p.Ser1718Tyr variant is uncertain at this time.